The following is an entry in ClinVar:

NM_024592.5(SRD5A3):c.821A>G (p.Asn274Ser)

Genes: SRD5A3-AS1 (SRD5A3 antisense RNA 1; minus strand), SRD5A3 (steroid 5 alpha-reductase 3; plus strand). Cytogenetic location: 4q12.
Variant type: single nucleotide variant.
Coding change: c.821A>G on transcript NM_024592.5 (MANE Select); coding-DNA position 821, A replaced by G.
Protein change: p.Asn274Ser; replaces asparagine 274 with serine.
Molecular consequence: missense variant.
Genome position (GRCh38, 1-based): chr4:55,369,955, A>G. VCF-style: chr4-55369955-A-G. GRCh37 (hg19) VCF-style: chr4-56236122-A-G.
Other names: short protein forms N274S.
Identifiers: ClinVar variation 856616 (VCV000856616.10), dbSNP rs569181314, ClinGen allele CA2925402.

ClinVar aggregate classification (germline): Uncertain significance (1 of 4 stars; one submission).

Conditions:
SRD5A3-congenital disorder of glycosylation. Also called: CDG Iq; Ocular colobomas, ichthyosis, brain malformations and endocrine abnormalities; Congenital disorder of glycosylation type 1Q; SRD5A3-CDG; COLOBOMA, OCULAR, WITH ICHTHYOSIS, BRAIN MALFORMATIONS, AND ENDOCRINE ABNORMALITIES. Identifiers: Orphanet 324737, MedGen C4317224, MONDO:0012885, OMIM 612379.

Allele frequency attached by ClinVar (database versions not stated): gnomAD exomes below 0.00001 and 0.00002; gnomAD 0.00001 and 0.00003; ExAC 0.00002; 1000 Genomes Project 30x 0.00031; 1000 Genomes Project 0.00040.
gnomAD v4.1: 6 of 1,614,174 alleles (0.00037%); highest among the groups gnomAD compares: East Asian, 0.011%; no homozygotes.

Submission:

Labcorp Genetics (formerly Invitae), Labcorp
Classification: Uncertain significance for SRD5A3-congenital disorder of glycosylation. Last evaluated: 2019-11-26. Review status: criteria provided, single submitter. Criteria: Invitae Variant Classification Sherloc (09022015). Collection method: clinical testing. Allele origin: germline.
Comment: Algorithms developed to predict the effect of missense changes on protein structure and function (SIFT, PolyPhen-2, Align-GVGD) all suggest that this variant is likely to be tolerated, but these predictions have not been confirmed by published functional studies and their clinical significance is uncertain. Algorithms developed to predict the effect of sequence changes on RNA splicing suggest that this variant may create or strengthen a splice site, but this prediction has not been confirmed by published transcriptional studies. In summary, the available evidence is currently insufficient to determine the role of this variant in disease. Therefore, it has been classified as a Variant of Uncertain Significance. This variant has not been reported in the literature in individuals with SRD5A3-related conditions. This sequence change replaces asparagine with serine at codon 274 of the SRD5A3 protein (p.Asn274Ser). The asparagine residue is moderately conserved and there is a small physicochemical difference between asparagine and serine. This variant is present in population databases (rs569181314, ExAC 0.03%).